The following is an entry in ClinVar:

NM_024417.5(FDXR):c.1351C>T (p.Arg451Trp)

Gene: FDXR (ferredoxin reductase; minus strand). Cytogenetic location: 17q25.1.
Variant type: single nucleotide variant.
Coding change: c.1351C>T on transcript NM_024417.5 (MANE Select); coding-DNA position 1351, C replaced by T.
Protein change: p.Arg451Trp; replaces arginine 451 with tryptophan.
Molecular consequence: missense variant. On other transcripts: non-coding transcript variant (1).
Genome position (GRCh38, 1-based): chr17:74,862,942, G>A on the plus strand (C>T on the coding strand, the complement: FDXR is on the minus strand). VCF-style: chr17-74862942-G-A. GRCh37 (hg19) VCF-style: chr17-72859064-G-A.
Other names: p.Arg451Trp; c.1480C>T, p.Arg494Trp (NM_001258012.4); c.1444C>T, p.Arg482Trp (NM_001258013.4); c.1327C>T, p.Arg443Trp (NM_001258014.4); c.1231C>T, p.Arg411Trp (NM_001258015.3); c.1195C>T, p.Arg399Trp (NM_001258016.3); c.1369C>T, p.Arg457Trp (NM_004110.6); short protein forms R399W, R411W, R443W, R451W, R457W, R482W, R494W.
Identifiers: ClinVar variation 3250159 (VCV003250159.3).
Genomic context (GRCh38, chr17:74,862,942, plus strand): 5'-CCTGGCCCCGGGCCACCTCCTCGGCATCCAGCTTCTCCCAGTCTGAGAAAGAGACTGGCC[G>A]GACCCCTGAAGCAGAGGGGAGATTGTCAACACCTCCTCCTTCACCCCTCCCAGAACAGCC-3'
Protein context (NP_077728.3, residues 441-461): IQALLSSRGV[Arg451Trp]PVSFSDWEKL

ClinVar aggregate classification (germline): Benign/Likely benign. Review status: criteria provided, multiple submitters, no conflicts (2 of 4 stars). 3 submissions from 3 submitters: Benign (1); Likely benign (1). 1 of the submissions does not count toward it. Last evaluated 2024-12-09.

Conditions:
Optic atrophy. Identifiers: MedGen C0029124, MONDO:0003608, HP:0000648.

gnomAD v4.1: 1,395 of 1,611,674 alleles (0.087%); highest among the groups gnomAD compares: African/African-American, 1.6%; 8 homozygotes.

Submissions (3):

Mayo Clinic Laboratories, Mayo Clinic
Classification: Benign. Last evaluated: 2024-12-09. Review status: criteria provided, single submitter. Criteria: ACMG Guidelines, 2015. Collection method: clinical testing. Allele origin: germline. Observed: 2 variant alleles.
Comment: BA1, BP4_moderate

Blueprint Genetics
Classification: Likely benign. Last evaluated: 2024-11-25. Review status: criteria provided, single submitter. Criteria: ACMG Guidelines, 2015. Collection method: clinical testing. Allele origin: germline.

Institute of Human Genetics, Univ. Regensburg, Univ. Regensburg
Classification: Uncertain significance for Optic atrophy. Last evaluated: 2023-01-01. Review status: no assertion criteria provided. Criteria: ACMG Guidelines, 2015. Collection method: clinical testing. Allele origin: germline. Affected: yes. Not counted in ClinVar's aggregate classification.